The following is an entry in ClinVar:

ClinVar aggregate classification (germline): Uncertain significance (1 of 4 stars; one submission).

gnomAD v4.1: 3 of 1,613,664 alleles (0.00019%); highest among the groups gnomAD compares: Non-Finnish European, 0.00025%; no homozygotes.

Submission:

Ambry Genetics
Classification: Uncertain significance. Last evaluated: 2026-08-18. Review status: criteria provided, single submitter. Criteria: Ambry Variant Classification Scheme 2023. Collection method: clinical testing. Allele origin: germline.
Comment: The p.D1560G variant (also known as c.4679A>G), located in coding exon 41 of the KIF1B gene, results from an A to G substitution at nucleotide position 4679. The aspartic acid at codon 1560 is replaced by glycine, an amino acid with similar properties. This amino acid position is conserved. In addition, this alteration is predicted to be tolerated by in silico analysis. Based on the available evidence, the clinical significance of this variant remains unclear.

NM_001365951.3(KIF1B):c.4817A>G (p.Asp1606Gly)

Gene: KIF1B (kinesin family member 1B; plus strand). Cytogenetic location: 1p36.22.
Variant type: single nucleotide variant.
Coding change: c.4817A>G on transcript NM_001365951.3 (MANE Select); coding-DNA position 4817, A replaced by G.
Protein change: p.Asp1606Gly; replaces aspartic acid 1606 with glycine.
Molecular consequence: missense variant.
Genome position (GRCh38, 1-based): chr1:10,368,531, A>G. VCF-style: chr1-10368531-A-G. GRCh37 (hg19) VCF-style: chr1-10428589-A-G.
Other names: c.4817A>G, p.Asp1606Gly (NM_001365952.1); c.4679A>G, p.Asp1560Gly (NM_015074.3); short protein forms D1560G, D1606G.
Identifiers: ClinVar variation 5023221 (VCV005023221.1).